The following is an entry in ClinVar:

NM_001029883.3(PCARE):c.802C>T (p.Gln268Ter)

Gene: PCARE (photoreceptor cilium actin regulator; minus strand). Cytogenetic location: 2p23.2.
Variant type: single nucleotide variant.
Coding change: c.802C>T on transcript NM_001029883.3 (MANE Select); coding-DNA position 802, C replaced by T.
Protein change: p.Gln268Ter; replaces glutamine 268 with a stop codon.
Molecular consequence: nonsense.
Genome position (GRCh38, 1-based): chr2:29,073,460, G>A on the plus strand (C>T on the coding strand, the complement: PCARE is on the minus strand). VCF-style: chr2-29073460-G-A. GRCh37 (hg19) VCF-style: chr2-29296326-G-A.
Other names: short protein forms Q268*.
Identifiers: ClinVar variation 866617 (VCV000866617.11), dbSNP rs866543181, ClinGen allele CA44643666.
Genomic context (GRCh38, chr2:29,073,460, plus strand): 5'-GCGAGGCCACTGTGCCATTGAGCACCTGCAGCTTGCTGACTGTGTACTGTAGCAGCTGTT[G>A]CAGGAGATTTGGCTGCTCCTGGGGCTCTCTTTTCTTCAAAGGCCAAGCCAGATCCTCCCT-3'

ClinVar aggregate classification (germline): Pathogenic. Review status: criteria provided, multiple submitters, no conflicts (2 of 4 stars). 4 submissions from 4 submitters: Pathogenic (3). 1 of the submissions does not count toward it. Last evaluated 2026-04-03.

Conditions:
Autosomal recessive retinitis pigmentosa. Identifiers: MedGen C0339526.
PCARE-related disorder. Also called: PCARE-related condition.

gnomAD v4.1: 2 of 1,614,062 alleles (0.00012%); highest among the groups gnomAD compares: African/African-American, 0.0013%; no homozygotes.

Submissions (4):

GeneDx
Classification: Pathogenic. Last evaluated: 2026-04-03. Review status: criteria provided, single submitter. Criteria: GeneDx Variant Classification Process June 2021. Collection method: clinical testing. Allele origin: germline.
Comment: Nonsense variant predicted to result in protein truncation or nonsense mediated decay in a gene for which loss of function is a known mechanism of disease; Not observed at significant frequency in large population cohorts (gnomAD); This variant is associated with the following publications: (PMID: 37445847, 28763557)

Labcorp Genetics (formerly Invitae), Labcorp
Classification: Pathogenic. Last evaluated: 2026-01-17. Review status: criteria provided, single submitter. Criteria: Invitae Variant Classification Sherloc (09022015). Collection method: clinical testing. Allele origin: germline.
Comment: This sequence change creates a premature translational stop signal (p.Gln268*) in the PCARE gene. It is expected to result in an absent or disrupted protein product. Loss-of-function variants in PCARE are known to be pathogenic (PMID: 20398886, 24339724, 26496393). This variant is not present in population databases (gnomAD no frequency). This premature translational stop signal has been observed in individual(s) with PCARE-related conditions (PMID: 28763557). ClinVar contains an entry for this variant (Variation ID: 866617). For these reasons, this variant has been classified as Pathogenic.

Blueprint Genetics
Classification: Pathogenic for PCARE-related disorders. Last evaluated: 2019-10-16. Review status: criteria provided, single submitter. Criteria: ACMG Guidelines, 2015. Collection method: clinical testing. Allele origin: germline. Affected: yes. Observed: 2 variant alleles.

Faculty of Health Sciences, Beirut Arab University
Classification: Pathogenic for Autosomal recessive Retinitis Pigmentosa. Last evaluated: 2017-08-01. Review status: no assertion criteria provided. Collection method: literature only. Allele origin: germline. Affected: yes. Observed: 1 variant allele. Not counted in ClinVar's aggregate classification.

Literature cited by the submitters: PubMed 20398886 (cited by Labcorp Genetics (formerly Invitae), Labcorp); PubMed 24339724 (cited by Labcorp Genetics (formerly Invitae), Labcorp); PubMed 26496393 (cited by Labcorp Genetics (formerly Invitae), Labcorp); PubMed 28763557 (cited by Labcorp Genetics (formerly Invitae), Labcorp and Faculty of Health Sciences, Beirut Arab University).